The following is an entry in ClinVar:

ClinVar aggregate classification (germline): Uncertain significance. Review status: criteria provided, multiple submitters, no conflicts (2 of 4 stars). 2 submissions from 2 submitters: Uncertain significance (2). Last evaluated 2025-09-22.

Conditions:
Generalized epilepsy with febrile seizures plus, type 7 (GEFSP7). Also called: GEFS+, TYPE 7. Identifiers: Orphanet 36387, MedGen C2751778, MONDO:0013470, OMIM 613863.
Neuropathy, hereditary sensory and autonomic, type 2A (HSAN2A). Also called: NEUROPATHY, CONGENITAL SENSORY; NEUROPATHY, HEREDITARY SENSORY RADICULAR, AUTOSOMAL RECESSIVE; NEUROPATHY, HEREDITARY SENSORY, TYPE IIA; NEUROPATHY, PROGRESSIVE SENSORY, OF CHILDREN; HSAN IIA; MORVAN DISEASE. Identifiers: Orphanet 970, MedGen C2752089, MONDO:0024309, OMIM 201300.

Submissions (2):

Labcorp Genetics (formerly Invitae), Labcorp
Classification: Uncertain significance for Neuropathy, hereditary sensory and autonomic, type 2A; Generalized epilepsy with febrile seizures plus, type 7. Last evaluated: 2025-09-22. Review status: criteria provided, single submitter. Criteria: Invitae Variant Classification Sherloc (09022015). Collection method: clinical testing. Allele origin: germline.
Comment: This sequence change replaces valine, which is neutral and non-polar, with leucine, which is neutral and non-polar, at codon 871 of the SCN9A protein (p.Val871Leu). This variant is not present in population databases (gnomAD no frequency). This variant has not been reported in the literature in individuals affected with SCN9A-related conditions. ClinVar contains an entry for this variant (Variation ID: 448291). Invitae Evidence Modeling of protein sequence and biophysical properties (such as structural, functional, and spatial information, amino acid conservation, physicochemical variation, residue mobility, and thermodynamic stability) indicates that this missense variant is not expected to disrupt SCN9A protein function with a negative predictive value of 95%. In summary, the available evidence is currently insufficient to determine the role of this variant in disease. Therefore, it has been classified as a Variant of Uncertain Significance.

Athena Diagnostics
Classification: Uncertain significance. Last evaluated: 2017-03-16. Review status: criteria provided, single submitter. Criteria: Athena Diagnostics Criteria. Collection method: clinical testing. Allele origin: germline.

NM_001365536.1(SCN9A):c.2644G>C (p.Val882Leu)

Genes: SCN1A-AS1 (SCN1A and SCN9A antisense RNA 1; plus strand), SCN9A (sodium voltage-gated channel alpha subunit 9; minus strand). Cytogenetic location: 2q24.3.
Variant type: single nucleotide variant.
Coding change: c.2644G>C on transcript NM_001365536.1 (MANE Select); coding-DNA position 2644, G replaced by C.
Protein change: p.Val882Leu; replaces valine 882 with leucine.
Molecular consequence: missense variant. On other transcripts: non-coding transcript variant (1).
Genome position (GRCh38, 1-based): chr2:166,277,213, C>G on the plus strand (G>C on the coding strand, the complement: SCN9A is on the minus strand). VCF-style: chr2-166277213-C-G. GRCh37 (hg19) VCF-style: chr2-167133723-C-G.
Other names: c.2611G>C, p.Val871Leu (NM_002977.4); short protein forms V871L, V882L.
Identifiers: ClinVar variation 448291 (VCV000448291.2), dbSNP rs1553487882, ClinGen allele CA349077896.